The following is an entry in ClinVar:

NM_001365088.1(SLC12A6):c.1109C>A (p.Pro370Gln)

Gene: SLC12A6 (solute carrier family 12 member 6; minus strand). Cytogenetic location: 15q14.
Variant type: single nucleotide variant.
Coding change: c.1109C>A on transcript NM_001365088.1 (MANE Select); coding-DNA position 1109, C replaced by A.
Protein change: p.Pro370Gln; replaces proline 370 with glutamine.
Molecular consequence: missense variant.
Genome position (GRCh38, 1-based): chr15:34,254,357, G>T on the plus strand (C>A on the coding strand, the complement: SLC12A6 is on the minus strand). VCF-style: chr15-34254357-G-T. GRCh37 (hg19) VCF-style: chr15-34546558-G-T.
Other names: c.932C>A, p.Pro311Gln (NM_001042494.2, NM_001042495.2); c.1082C>A, p.Pro361Gln (NM_001042496.2); c.1064C>A, p.Pro355Gln (NM_001042497.2); c.956C>A, p.Pro319Gln (NM_005135.2); c.1109C>A, p.Pro370Gln (NM_133647.2); short protein forms P311Q, P361Q, P370Q, P319Q, P355Q.
Identifiers: ClinVar variation 2012409 (VCV002012409.4), dbSNP rs774246639, ClinGen allele CA391608444.

ClinVar aggregate classification (germline): Uncertain significance (1 of 4 stars; one submission).

Submission:

Labcorp Genetics (formerly Invitae), Labcorp
Classification: Uncertain significance. Last evaluated: 2022-06-30. Review status: criteria provided, single submitter. Criteria: Invitae Variant Classification Sherloc (09022015). Collection method: clinical testing. Allele origin: germline.
Comment: In summary, the available evidence is currently insufficient to determine the role of this variant in disease. Therefore, it has been classified as a Variant of Uncertain Significance. Algorithms developed to predict the effect of missense changes on protein structure and function are either unavailable or do not agree on the potential impact of this missense change (SIFT: "Tolerated"; PolyPhen-2: "Probably Damaging"; Align-GVGD: "Class C0"). This variant has not been reported in the literature in individuals affected with SLC12A6-related conditions. This variant is not present in population databases (gnomAD no frequency). This sequence change replaces proline, which is neutral and non-polar, with glutamine, which is neutral and polar, at codon 370 of the SLC12A6 protein (p.Pro370Gln).